The following is an entry in ClinVar:

ClinVar aggregate classification (germline): Uncertain significance. Review status: criteria provided, multiple submitters, no conflicts (2 of 4 stars). 3 submissions from 3 submitters: Uncertain significance (2). 1 of the submissions does not count toward it. Last evaluated 2023-04-16.

Conditions:
LAMC2-related disorder. Also called: LAMC2-related condition.
Junctional epidermolysis bullosa. Identifiers: Orphanet 305, MedGen C0079301, MONDO:0017612.

Allele frequency attached by ClinVar (database versions not stated): ESP Exome Variant Server 0.00008; gnomAD exomes 0.00011 and 0.00022; TOPMed 0.00011; gnomAD 0.00015 and 0.00016; ExAC 0.00017.
gnomAD v4.1: 336 of 1,606,206 alleles (0.021%); highest among the groups gnomAD compares: Non-Finnish European, 0.028%; no homozygotes.

Submissions (5):

Women's Health and Genetics/Laboratory Corporation of America, LabCorp
Classification: Uncertain significance. Last evaluated: 2023-04-16. Review status: criteria provided, single submitter. Criteria: LabCorp Variant Classification Summary - May 2015. Collection method: clinical testing. Allele origin: germline.

Illumina Laboratory Services, Illumina
Classification: Uncertain significance for Junctional epidermolysis bullosa. Last evaluated: 2018-01-12. Review status: criteria provided, single submitter. Criteria: ICSL Variant Classification Criteria 13 December 2019. Collection method: clinical testing. Allele origin: germline.

PreventionGenetics, part of Exact Sciences
Classification: Likely benign for LAMC2-related condition. Last evaluated: 2019-08-09. Review status: no assertion criteria provided. Collection method: clinical testing. Allele origin: germline. Not counted in ClinVar's aggregate classification.
Comment: This variant is classified as likely benign based on ACMG/AMP sequence variant interpretation guidelines (Richards et al. 2015 PMID: 25741868, with internal and published modifications).

Dr. Peter K. Rogan Lab, Western University
No classification provided (evidence only). Condition: Malignant tumor of esophagus. Review status: no classification provided. Collection method: in vitro. Allele origin: not applicable. Functional consequence: retained intron. Not counted in ClinVar's aggregate classification.

Dr. Peter K. Rogan Lab, Western University
No classification provided (evidence only). Condition: Malignant tumor of esophagus. Review status: no classification provided. Collection method: in vitro. Allele origin: not applicable. Functional consequence: retained intron. Not counted in ClinVar's aggregate classification.

NM_005562.3(LAMC2):c.503+6T>C

Gene: LAMC2 (laminin subunit gamma 2; plus strand). Cytogenetic location: 1q25.3.
Variant type: single nucleotide variant.
Coding change: c.503+6T>C on transcript NM_005562.3 (MANE Select); 6 bases into the intron after coding-DNA position 503, T replaced by C.
Molecular consequence: intron variant.
Genome position (GRCh38, 1-based): chr1:183,218,494, T>C. VCF-style: chr1-183218494-T-C. GRCh37 (hg19) VCF-style: chr1-183187629-T-C.
Other names: NC_000001.10:g.183187629T>C; c.503+6T>C (NM_018891.3).
Identifiers: ClinVar variation 293992 (VCV000293992.9), dbSNP rs375623003, ClinGen allele CA1282346.